The following is an entry in ClinVar:

NM_003647.3(DGKE):c.303G>C (p.Lys101Asn)

Gene: DGKE (diacylglycerol kinase epsilon; plus strand). Cytogenetic location: 17q22.
Variant type: single nucleotide variant.
Coding change: c.303G>C on transcript NM_003647.3 (MANE Select); coding-DNA position 303, G replaced by C.
Protein change: p.Lys101Asn; replaces lysine 101 with asparagine.
Molecular consequence: missense variant.
Genome position (GRCh38, 1-based): chr17:56,835,098, G>C. VCF-style: chr17-56835098-G-C. GRCh37 (hg19) VCF-style: chr17-54912459-G-C.
Other names: short protein forms K101N.
Identifiers: ClinVar variation 1032142 (VCV001032142.6), dbSNP rs201209316, ClinGen allele CA8663470.
Genomic context (GRCh38, chr17:56,835,098, plus strand): 5'-TCTGCAGGGCGCCTTCTGCGACTGCTGCGGGCTCCGCGTGGACGAGGGCTGCCTCAGGAA[G>C]GCCGACAAGCGCTTCCAGTGCAAGGAGATTATGCTCAAGAATGACACCAAGGTCCTGGAC-3'
Protein context (NP_003638.1, residues 91-111): GLRVDEGCLR[Lys101Asn]ADKRFQCKEI

ClinVar aggregate classification (germline): Uncertain significance. Review status: criteria provided, multiple submitters, no conflicts (2 of 4 stars). 4 submissions from 4 submitters: Uncertain significance (4). Last evaluated 2025-08-12.

Conditions:
Inborn genetic diseases. Identifiers: MedGen C0950123, MeSH D030342.
Immunoglobulin-mediated membranoproliferative glomerulonephritis. Also called: Nephrotic syndrome, type 7; NEPHROTIC SYNDROME, TYPE 7, WITH MEMBRANOPROLIFERATIVE GLOMERULONEPHRITIS. Identifiers: Orphanet 329903, MedGen C3554330, MONDO:0014005, OMIM 615008.

Allele frequency attached by ClinVar (database versions not stated): gnomAD exomes 0.00004 and 0.00014; ExAC 0.00012; gnomAD 0.00030 and 0.00031; TOPMed 0.00068; 1000 Genomes Project 0.00080; 1000 Genomes Project 30x 0.00094.
gnomAD v4.1: 111 of 1,613,814 alleles (0.0069%); highest among the groups gnomAD compares: Admixed American, 0.13%; no homozygotes.

Submissions (4):

Ambry Genetics
Classification: Uncertain significance for Inborn genetic diseases. Last evaluated: 2025-08-12. Review status: criteria provided, single submitter. Criteria: Ambry Variant Classification Scheme 2023. Collection method: clinical testing. Allele origin: germline.

Labcorp Genetics (formerly Invitae), Labcorp
Classification: Uncertain significance. Last evaluated: 2022-10-14. Review status: criteria provided, single submitter. Criteria: Invitae Variant Classification Sherloc (09022015). Collection method: clinical testing. Allele origin: germline.
Comment: This sequence change replaces lysine, which is basic and polar, with asparagine, which is neutral and polar, at codon 101 of the DGKE protein (p.Lys101Asn). This variant is present in population databases (rs201209316, gnomAD 0.08%). This variant has not been reported in the literature in individuals affected with DGKE-related conditions. ClinVar contains an entry for this variant (Variation ID: 1032142). Advanced modeling of protein sequence and biophysical properties (such as structural, functional, and spatial information, amino acid conservation, physicochemical variation, residue mobility, and thermodynamic stability) performed at Invitae indicates that this missense variant is not expected to disrupt DGKE protein function. In summary, the available evidence is currently insufficient to determine the role of this variant in disease. Therefore, it has been classified as a Variant of Uncertain Significance.

Baylor Genetics
Classification: Uncertain significance for Immunoglobulin-mediated membranoproliferative glomerulonephritis. Last evaluated: 2018-10-28. Review status: criteria provided, single submitter. Criteria: ACMG Guidelines, 2015. Collection method: clinical testing. Allele origin: paternal. Affected: yes.
Comment: This variant was determined to be of uncertain significance according to ACMG Guidelines, 2015 [PMID:25741868].

Breakthrough Genomics
Classification: Uncertain significance. Review status: criteria provided, single submitter. Criteria: ACMG Guidelines, 2015. Collection method: not provided. Allele origin: germline. Inheritance: Autosomal recessive inheritance. Affected: yes.